The following is an entry in ClinVar:

NM_002292.4(LAMB2):c.1276del (p.His426fs)

Gene: LAMB2 (laminin subunit beta 2; minus strand). Cytogenetic location: 3p21.31.
Variant type: Deletion.
Coding change: c.1276del on transcript NM_002292.4 (MANE Select); coding-DNA position 1276, one base deleted (C; older notation c.1276delC).
Protein change: p.His426fs; shifts the reading frame from histidine 426.
Molecular consequence: frameshift variant.
Genome position (GRCh38, 1-based): chr3:49,129,968, G deleted on the plus strand (C on the coding strand, the reverse complement: LAMB2 is on the minus strand); the first of 3 consecutive G bases (chr3:49,129,968-49,129,970); deleting any one gives the same sequence. VCF-style (leftmost placement, unchanged base first): chr3-49129967-TG-T. GRCh37 (hg19) VCF-style: chr3-49167400-TG-T.
Other names: short protein forms H426fs.
Identifiers: ClinVar variation 1179149 (VCV001179149.7), dbSNP rs2107643346, ClinGen allele CA2499216902.

ClinVar aggregate classification (germline): Pathogenic. Review status: criteria provided, multiple submitters, no conflicts (2 of 4 stars). 2 submissions from 2 submitters: Pathogenic (2). Last evaluated 2022-03-31.

Conditions:
LAMB2-related infantile-onset nephrotic syndrome. Also called: NEPHROTIC SYNDROME, TYPE 5, WITHOUT OCULAR ABNORMALITIES; NEPHROTIC SYNDROME, TYPE 5, WITH OCULAR ABNORMALITIES; Nephrotic Syndrome, type 5. Identifiers: Orphanet 306507, MedGen C3280113, MONDO:0013621, OMIM 614199.
Pierson syndrome. Also called: MICROCORIA-CONGENITAL NEPHROTIC SYNDROME. Identifiers: Orphanet 2670, MedGen C1836876, MONDO:0012184, OMIM 609049.

Submissions (2):

Labcorp Genetics (formerly Invitae), Labcorp
Classification: Pathogenic for LAMB2-related infantile-onset nephrotic syndrome; Pierson syndrome. Last evaluated: 2022-03-31. Review status: criteria provided, single submitter. Criteria: Invitae Variant Classification Sherloc (09022015). Collection method: clinical testing. Allele origin: germline.
Comment: This sequence change creates a premature translational stop signal (p.His426Metfs*71) in the LAMB2 gene. It is expected to result in an absent or disrupted protein product. Loss-of-function variants in LAMB2 are known to be pathogenic (PMID: 15367484). This variant is not present in population databases (gnomAD no frequency). This variant has not been reported in the literature in individuals affected with LAMB2-related conditions. ClinVar contains an entry for this variant (Variation ID: 1179149). For these reasons, this variant has been classified as Pathogenic.

Fulgent Genetics
Classification: Pathogenic for Pierson syndrome; LAMB2-related infantile-onset nephrotic syndrome. Last evaluated: 2021-06-30. Review status: criteria provided, single submitter. Criteria: ACMG Guidelines, 2015. Collection method: clinical testing. Allele origin: unknown.
Comment: This variant has been detected in individual(s) who were sent for testing of Renasight - kidney gene panel.

Literature cited by the submitters: PubMed 15367484 (cited by Labcorp Genetics (formerly Invitae), Labcorp).